The following is an entry in ClinVar:

ClinVar aggregate classification (germline): Likely pathogenic (1 of 4 stars; one submission).

Conditions:
Rauch-Steindl syndrome (RAUST). Identifiers: Orphanet 659642, MedGen C5562061, MONDO:0859219, OMIM 619695.

Submission:

Juno Genomics, Hangzhou Juno Genomics, Inc
Classification: Likely pathogenic for Rauch-Steindl syndrome. Review status: criteria provided, single submitter. Criteria: ACMG Guidelines, 2015. Collection method: clinical testing. Allele origin: germline. Affected: yes.
Comment: Absent from controls (or at extremely low frequency if recessive) in Genome Aggregation Database.;De novo (both maternity and paternity confirmed) in a patient with the disease and no family history.;Null variant in a gene where loss of function (LOF) is a known mechanism of disease.

NM_001042424.3(NSD2):c.2338_2338+3del

Gene: NSD2 (nuclear receptor binding SET domain protein 2; plus strand). Cytogenetic location: 4p16.3.
Variant type: Deletion.
Coding change: c.2338_2338+3del on transcript NM_001042424.3 (MANE Select); coding-DNA position 2338 through 3 bases into the intron after coding-DNA position 2338, 4 bases deleted (GGTA; older notation c.2338_2338+3delGGTA).
Molecular consequence: splice donor variant. On other transcripts: intron variant (1).
Genome position (GRCh38, 1-based): chr4:1,953,524-1,953,527, GGTA deleted; deleting any 4 consecutive bases within chr4:1,953,523-1,953,527 gives the same sequence; the c. name uses the placement nearest the transcript's 3' end. VCF-style (leftmost placement, unchanged base first): chr4-1953522-AAGGT-A. GRCh37 (hg19) VCF-style: chr4-1955249-AAGGT-A.
Other names: c.2338_2338+3del (NM_001440892.1, NM_001440894.1, NM_001440895.1 and 3 more transcripts); c.2437_2437+3del (NM_001440893.1); c.1369_1369+3del (NM_001440900.1, NM_001440899.1); c.2137+1293_2137+1296del (NM_001440896.1); c.2131_2131+3del (NM_001440897.1, NM_001440898.1).
Identifiers: ClinVar variation 5018767 (VCV005018767.1).